The following is an entry in ClinVar:

ClinVar aggregate classification (germline): Uncertain significance (1 of 4 stars; one submission).

Submission:

GeneDx
Classification: Uncertain significance. Last evaluated: 2022-12-20. Review status: criteria provided, single submitter. Criteria: GeneDx Variant Classification Process June 2021. Collection method: clinical testing. Allele origin: germline. Affected: yes.
Comment: Not observed at significant frequency in large population cohorts (gnomAD); In silico analysis supports that this missense variant has a deleterious effect on protein structure/function; Has not been previously published as pathogenic or benign to our knowledge

NM_001220.5(CAMK2B):c.853C>G (p.Gln285Glu)

Gene: CAMK2B (calcium/calmodulin dependent protein kinase II beta; minus strand). Cytogenetic location: 7p13.
Variant type: single nucleotide variant.
Coding change: c.853C>G on transcript NM_001220.5 (MANE Select); coding-DNA position 853, C replaced by G.
Protein change: p.Gln285Glu; replaces glutamine 285 with glutamic acid.
Molecular consequence: missense variant.
Genome position (GRCh38, 1-based): chr7:44,241,750, G>C on the plus strand (C>G on the coding strand, the complement: CAMK2B is on the minus strand). VCF-style: chr7-44241750-G-C. GRCh37 (hg19) VCF-style: chr7-44281349-G-C.
Other names: c.853C>G, p.Gln285Glu (NM_001293170.2, NM_172078.3, NM_172079.3 and 5 more transcripts); short protein forms Q285E.
Identifiers: ClinVar variation 2506743 (VCV002506743.1), dbSNP rs2486009467, ClinGen allele CA367363608.